The following is an entry in ClinVar:

NM_000520.6(HEXA):c.157G>T (p.Ala53Ser)

Gene: HEXA (hexosaminidase subunit alpha; minus strand). Cytogenetic location: 15q23.
Variant type: single nucleotide variant.
Coding change: c.157G>T on transcript NM_000520.6 (MANE Select); coding-DNA position 157, G replaced by T.
Protein change: p.Ala53Ser; replaces alanine 53 with serine.
Molecular consequence: missense variant. On other transcripts: non-coding transcript variant (1).
Genome position (GRCh38, 1-based): chr15:72,375,816, C>A on the plus strand (G>T on the coding strand, the complement: HEXA is on the minus strand). VCF-style: chr15-72375816-C-A. GRCh37 (hg19) VCF-style: chr15-72668157-C-A.
Other names: c.157G>T, p.Ala53Ser (NM_001318825.2); short protein forms A53S.
Identifiers: ClinVar variation 1490873 (VCV001490873.6), dbSNP rs2140344593, ClinGen allele CA393070350.
Genomic context (GRCh38, chr15:72,375,816, plus strand): 5'-AAAGCAGGTCACGATAGCGCTGGAAGGCCTCGTCGAGGACTGAGCAGCCGGGCTGCGCGG[C>A]CGAGCTGACATCGTACTGGAATTGAAAGTTGTTCGGGTAAAGGACGTAGCGCTGGTCGGA-3'
Protein context (NP_000511.2, residues 43-63): NFQFQYDVSS[Ala53Ser]AQPGCSVLDE

ClinVar aggregate classification (germline): Uncertain significance (1 of 4 stars; one submission).

Conditions:
Tay-Sachs disease (TSD). Also called: HEXA DEFICIENCY; GM2 gangliosidosis, type 1; Hexosaminidase alpha-subunit deficiency (variant B); Sphingolipidosis, Tay-Sachs; Hexosaminidase A Deficiency; HEXA Disorders. Identifiers: Orphanet 845, MedGen C0039373, MONDO:0010100, OMIM 272800.

Submission:

Labcorp Genetics (formerly Invitae), Labcorp
Classification: Uncertain significance for Tay-Sachs disease. Last evaluated: 2022-07-19. Review status: criteria provided, single submitter. Criteria: Invitae Variant Classification Sherloc (09022015). Collection method: clinical testing. Allele origin: germline.
Comment: In summary, the available evidence is currently insufficient to determine the role of this variant in disease. Therefore, it has been classified as a Variant of Uncertain Significance. Algorithms developed to predict the effect of missense changes on protein structure and function are either unavailable or do not agree on the potential impact of this missense change (SIFT: "Tolerated"; PolyPhen-2: "Possibly Damaging"; Align-GVGD: "Class C0"). ClinVar contains an entry for this variant (Variation ID: 1490873). This variant has not been reported in the literature in individuals affected with HEXA-related conditions. This variant is not present in population databases (gnomAD no frequency). This sequence change replaces alanine, which is neutral and non-polar, with serine, which is neutral and polar, at codon 53 of the HEXA protein (p.Ala53Ser).